The following is an entry in ClinVar:

ClinVar aggregate classification (germline): Benign/Likely benign. Review status: criteria provided, multiple submitters, no conflicts (2 of 4 stars). 5 submissions from 4 submitters: Benign (4); Likely benign (1). Last evaluated 2026-01-28.

Conditions:
Alopecia universalis congenita (ALUNC). Also called: ATRICHIA, GENERALIZED. Identifiers: Orphanet 701, MedGen C1859877, MONDO:0008757, OMIM 203655.
Atrichia with papular lesions (APL). Also called: PAPULAR ATRICHIA. Identifiers: Orphanet 86819, MedGen C1859592, MONDO:0008847, OMIM 209500.

Allele frequency attached by ClinVar (database versions not stated): gnomAD exomes 0.00056 and 0.00179; ESP Exome Variant Server 0.00453; gnomAD 0.00594 and 0.00634; TOPMed 0.00701; 1000 Genomes Project 0.00799; 1000 Genomes Project 30x 0.00812; ExAC 0.00888.
gnomAD v4.1: 1,707 of 1,499,792 alleles (0.11%); highest among the groups gnomAD compares: African/African-American, 2.1%; 21 homozygotes.

Submissions (5):

Labcorp Genetics (formerly Invitae), Labcorp
Classification: Benign. Last evaluated: 2026-01-28. Review status: criteria provided, single submitter. Criteria: Invitae Variant Classification Sherloc (09022015). Collection method: clinical testing. Allele origin: germline.

Blueprint Genetics
Classification: Likely benign. Last evaluated: 2024-11-20. Review status: criteria provided, single submitter. Criteria: ACMG Guidelines, 2015. Collection method: clinical testing. Allele origin: germline.

Illumina Laboratory Services, Illumina
Classification: Benign for Alopecia universalis congenita. Last evaluated: 2018-01-13. Review status: criteria provided, single submitter. Criteria: ICSL Variant Classification Criteria 13 December 2019. Collection method: clinical testing. Allele origin: germline.
Comment: This variant was observed in the ICSL laboratory as part of a predisposition screen in an ostensibly healthy population. It had not been previously curated by ICSL or reported in the Human Gene Mutation Database (HGMD: prior to June 1st, 2018), and was therefore a candidate for classification through an automated scoring system. Utilizing variant allele frequency, disease prevalence and penetrance estimates, and inheritance mode, an automated score was calculated to assess if this variant is too frequent to cause the disease. Based on the score and internal cut-off values, a variant classified as benign is not then subjected to further curation. The score for this variant resulted in a classification of benign for this disease.

Illumina Laboratory Services, Illumina
Classification: Benign for Atrichia with papular lesions. Last evaluated: 2018-01-13. Review status: criteria provided, single submitter. Criteria: ICSL Variant Classification Criteria 13 December 2019. Collection method: clinical testing. Allele origin: germline.
Comment: the same text as in the submission from Illumina Laboratory Services, Illumina above.

Breakthrough Genomics
Classification: Benign. Review status: criteria provided, single submitter. Criteria: ACMG Guidelines, 2015. Collection method: not provided. Allele origin: germline. Inheritance: Autosomal recessive inheritance. Affected: yes.

NM_005144.5(HR):c.3216G>A (p.Val1072=)

Gene: HR (HR lysine demethylase and nuclear receptor corepressor; minus strand). Cytogenetic location: 8p21.3.
Variant type: single nucleotide variant.
Coding change: c.3216G>A on transcript NM_005144.5 (MANE Select); coding-DNA position 3216, G replaced by A.
Protein change: p.Val1072=; no amino-acid change (valine 1072 retained).
Molecular consequence: synonymous variant. On other transcripts: intron variant (1).
Genome position (GRCh38, 1-based): chr8:22,117,037, C>T on the plus strand (G>A on the coding strand, the complement: HR is on the minus strand). VCF-style: chr8-22117037-C-T. GRCh37 (hg19) VCF-style: chr8-21974550-C-T.
Other names: c.3214-609G>A (NM_018411.4).
Identifiers: ClinVar variation 911931 (VCV000911931.10), dbSNP rs146855847, ClinGen allele CA4661835.